The following is an entry in ClinVar:

NM_005751.5(AKAP9):c.506A>G (p.His169Arg)

Gene: AKAP9 (A-kinase anchoring protein 9; plus strand). Cytogenetic location: 7q21.2.
Variant type: single nucleotide variant.
Coding change: c.506A>G on transcript NM_005751.5 (MANE Select); coding-DNA position 506, A replaced by G.
Protein change: p.His169Arg; replaces histidine 169 with arginine.
Molecular consequence: missense variant.
Genome position (GRCh38, 1-based): chr7:91,992,985, A>G. VCF-style: chr7-91992985-A-G. GRCh37 (hg19) VCF-style: chr7-91622299-A-G.
Other names: c.506A>G, p.His169Arg (NM_147185.3); short protein forms H169R.
Identifiers: ClinVar variation 1053998 (VCV001053998.12), dbSNP rs1562947323, ClinGen allele CA368119554.
Genomic context (GRCh38, chr7:91,992,985, plus strand): 5'-GAGCACAAGACAGTCCGACTCATCTAGAGATGATGGAAAGTGAGTTGGCTGGGAAGCAGC[A>G]TGAGATTGAAGAGCTAAACAGAGAGCTGGAAGAAATGAGGGTTACCTATGGGACTGAAGG-3'
Protein context (NP_005742.4, residues 159-179): MMESELAGKQ[His169Arg]EIEELNRELE

ClinVar aggregate classification (germline): Uncertain significance. Review status: criteria provided, multiple submitters, no conflicts (2 of 4 stars). 2 submissions from 2 submitters: Uncertain significance (2). Last evaluated 2024-08-10.

Conditions:
Cardiovascular phenotype. Identifiers: MedGen CN230736.
Long QT syndrome (LQTS). Identifiers: MedGen C0023976, MeSH D008133, MONDO:0002442. Disease mechanism: loss of function. Inheritance: Various modes of inheritance.

Allele frequency attached by ClinVar (database versions not stated): gnomAD exomes below 0.00001; gnomAD 0.00001.
gnomAD v4.1: 4 of 1,614,034 alleles (0.00025%); highest among the groups gnomAD compares: African/African-American, 0.0013%; no homozygotes.

Submissions (2):

Ambry Genetics
Classification: Uncertain significance for Cardiovascular phenotype. Last evaluated: 2024-08-10. Review status: criteria provided, single submitter. Criteria: Ambry Variant Classification Scheme 2023. Collection method: clinical testing. Allele origin: germline.

Labcorp Genetics (formerly Invitae), Labcorp
Classification: Uncertain significance for Long QT syndrome. Last evaluated: 2023-01-29. Review status: criteria provided, single submitter. Criteria: Invitae Variant Classification Sherloc (09022015). Collection method: clinical testing. Allele origin: germline.
Comment: This sequence change replaces histidine, which is basic and polar, with arginine, which is basic and polar, at codon 169 of the AKAP9 protein (p.His169Arg). This variant is not present in population databases (gnomAD no frequency). This variant has not been reported in the literature in individuals affected with AKAP9-related conditions. ClinVar contains an entry for this variant (Variation ID: 1053998). Algorithms developed to predict the effect of missense changes on protein structure and function (SIFT, PolyPhen-2, Align-GVGD) all suggest that this variant is likely to be tolerated. In summary, the available evidence is currently insufficient to determine the role of this variant in disease. Therefore, it has been classified as a Variant of Uncertain Significance.